The following is an entry in ClinVar:

ClinVar aggregate classification (germline): Likely pathogenic (1 of 4 stars; one submission).

Conditions:
Xeroderma pigmentosum, group G (XPG). Also called: XERODERMA PIGMENTOSUM VII; XP, GROUP G; Xeroderma pigmentosum type 7; ERCC5-Related Xeroderma Pigmentosum. Identifiers: MedGen C0268141, MONDO:0010216, OMIM 278780.

Submission:

Neuberg Centre For Genomic Medicine, NCGM
Classification: Likely pathogenic for Xeroderma pigmentosum, group G. Review status: criteria provided, single submitter. Criteria: ACMG Guidelines, 2015. Collection method: clinical testing. Allele origin: germline. Inheritance: Autosomal recessive inheritance. Affected: yes.
Comment: The frameshift variant c.323del (p.Lys108SerfsTer3) in ERCC5 gene has not been reported previously as a pathogenic variant nor as a benign variant, to our knowledge. The p.Lys108SerfsTer3 variant is novel (not in any individuals) in gnomAD Exomes and 1000 Genomes. Null variant (frame-shift), in gene ERCC5 for which loss-of-function is a known mechanism of disease. This variant causes a frameshift starting with codon Lysine 108, changes this amino acid to Serine residue, and creates a premature Stop codon at position 3 of the new reading frame, denoted p.Lys108SerfsTer3. For these reasons, this variant has been classified as Likely Pathogenic.

NM_000123.4(ERCC5):c.323del (p.Lys108fs)

Genes: BIVM-ERCC5 (BIVM-ERCC5 readthrough; plus strand), ERCC5 (ERCC excision repair 5, endonuclease; plus strand). Cytogenetic location: 13q33.1.
Variant type: Deletion.
Coding change: c.323del on transcript NM_000123.4 (MANE Select); coding-DNA position 323, one base deleted (A; older notation c.323delA).
Protein change: p.Lys108fs; shifts the reading frame from lysine 108.
Molecular consequence: frameshift variant.
Genome position (GRCh38, 1-based): chr13:102,853,815, A deleted; the last of 2 consecutive A bases (chr13:102,853,814-102,853,815); deleting either gives the same sequence. VCF-style (leftmost placement, unchanged base first): chr13-102853813-GA-G. GRCh37 (hg19) VCF-style: chr13-103506163-GA-G.
Other names: c.1685del, p.Lys562fs (NM_001204425.2); c.323delA, p.Lys108Serfs (NM_000123.3); short protein forms K108fs, K562fs.
Identifiers: ClinVar variation 2627959 (VCV002627959.1), dbSNP rs2501534466, ClinGen allele CA2586963980.